The following is an entry in ClinVar:

ClinVar aggregate classification (germline): Uncertain significance (1 of 4 stars; one submission).

Conditions:
Congenital myotonia, autosomal dominant form (THD). Also called: THOMSEN DISEASE; Myotonia congenita autosomal dominant. Identifiers: Orphanet 614, MedGen C2936781, MONDO:0008055, OMIM 160800.
Congenital myotonia, autosomal recessive form. Also called: myotonia congenita, autosomal recessive; BECKER DISEASE; Becker Generalized Myotonia. Identifiers: Orphanet 614, MedGen C0751360, MONDO:0009715, OMIM 255700.

Allele frequency attached by ClinVar (database versions not stated): gnomAD exomes below 0.00001.
gnomAD v4.1: 2 of 1,614,190 alleles (0.00012%); highest among the groups gnomAD compares: South Asian, 0.0011%; no homozygotes.

Submission:

Labcorp Genetics (formerly Invitae), Labcorp
Classification: Uncertain significance for Congenital myotonia, autosomal recessive form; Congenital myotonia, autosomal dominant form. Last evaluated: 2021-06-08. Review status: criteria provided, single submitter. Criteria: Invitae Variant Classification Sherloc (09022015). Collection method: clinical testing. Allele origin: germline.
Comment: In summary, the available evidence is currently insufficient to determine the role of this variant in disease. Therefore, it has been classified as a Variant of Uncertain Significance. Algorithms developed to predict the effect of missense changes on protein structure and function (SIFT, PolyPhen-2, Align-GVGD) all suggest that this variant is likely to be tolerated, but these predictions have not been confirmed by published functional studies and their clinical significance is uncertain. This variant has not been reported in the literature in individuals with CLCN1-related conditions. This variant is not present in population databases (ExAC no frequency). This sequence change replaces valine with isoleucine at codon 163 of the CLCN1 protein (p.Val163Ile). The valine residue is weakly conserved and there is a small physicochemical difference between valine and isoleucine.

NM_000083.3(CLCN1):c.487G>A (p.Val163Ile)

Gene: CLCN1 (chloride voltage-gated channel 1; plus strand). Cytogenetic location: 7q34.
Variant type: single nucleotide variant.
Coding change: c.487G>A on transcript NM_000083.3 (MANE Select); coding-DNA position 487, G replaced by A.
Protein change: p.Val163Ile; replaces valine 163 with isoleucine.
Molecular consequence: missense variant. On other transcripts: non-coding transcript variant (1).
Genome position (GRCh38, 1-based): chr7:143,321,418, G>A. VCF-style: chr7-143321418-G-A. GRCh37 (hg19) VCF-style: chr7-143018511-G-A.
Other names: short protein forms V163I.
Identifiers: ClinVar variation 1512799 (VCV001512799.8), dbSNP rs763587236, ClinGen allele CA369683602.